The following is an entry in ClinVar:

NM_001099922.3(ALG13):c.896G>A (p.Gly299Asp)

Gene: ALG13 (ALG13 UDP-N-acetylglucosaminyltransferase subunit; plus strand). Cytogenetic location: Xq23.
Variant type: single nucleotide variant.
Coding change: c.896G>A on transcript NM_001099922.3 (MANE Select); coding-DNA position 896, G replaced by A.
Protein change: p.Gly299Asp; replaces glycine 299 with aspartic acid.
Molecular consequence: missense variant.
Genome position (GRCh38, 1-based): chrX:111,712,494, G>A. VCF-style: chrX-111712494-G-A. GRCh37 (hg19) VCF-style: chrX-110955722-G-A.
Other names: c.584G>A, p.Gly195Asp (NM_001257230.2, NM_001257234.2, NM_001257237.2 and 1 more transcripts); c.662G>A, p.Gly221Asp (NM_001257231.2); c.896G>A, p.Gly299Asp (NM_001324292.2); short protein forms G195D, G221D, G299D.
Identifiers: ClinVar variation 3359605 (VCV003359605.2).
Genomic context (GRCh38, chrX:111,712,494, plus strand): 5'-CTCCTAGCTACAGAATGTTTTTTAAAACTCAATACACTATTTATGTTTAGGAAAGTGCTG[G>A]CCAGCTGGAAATAAGAGCTCTTTCTCTAATTTATAAGTAAGTTATATCCTCTTTTCTTTG-3'
Protein context (NP_001093392.1, residues 289-309): ERLGDPKESA[Gly299Asp]QLEIRALSLI

ClinVar aggregate classification (germline): Uncertain significance. Review status: criteria provided, multiple submitters, no conflicts (2 of 4 stars). 2 submissions from 2 submitters: Uncertain significance (2). Last evaluated 2025-09-24.

Conditions:
Developmental and epileptic encephalopathy, 36 (DEE36). Also called: Epileptic encephalopathy, early infantile, 36; ALG13-CDG; Congenital disorder of glycosylation, type Is. Identifiers: Orphanet 324422, MedGen C4317295, MONDO:0010472, OMIM 300884.

Submissions (2):

Labcorp Genetics (formerly Invitae), Labcorp
Classification: Uncertain significance for Developmental and epileptic encephalopathy, 36. Last evaluated: 2025-09-24. Review status: criteria provided, single submitter. Criteria: Invitae Variant Classification Sherloc (09022015). Collection method: clinical testing. Allele origin: germline.
Comment: This sequence change replaces glycine, which is neutral and non-polar, with aspartic acid, which is acidic and polar, at codon 299 of the ALG13 protein (p.Gly299Asp). This variant is not present in population databases (gnomAD no frequency). This variant has not been reported in the literature in individuals affected with ALG13-related conditions. ClinVar contains an entry for this variant (Variation ID: 3359605). Invitae Evidence Modeling of protein sequence and biophysical properties (such as structural, functional, and spatial information, amino acid conservation, physicochemical variation, residue mobility, and thermodynamic stability) has been performed for this missense variant. However, the output from this modeling did not meet the statistical confidence thresholds required to predict the impact of this variant on ALG13 protein function. In summary, the available evidence is currently insufficient to determine the role of this variant in disease. Therefore, it has been classified as a Variant of Uncertain Significance.

GeneDx
Classification: Uncertain significance. Last evaluated: 2023-06-13. Review status: criteria provided, single submitter. Criteria: GeneDx Variant Classification Process June 2021. Collection method: clinical testing. Allele origin: germline. Affected: yes.
Comment: Not observed at significant frequency in large population cohorts (gnomAD); In silico analysis supports that this missense variant has a deleterious effect on protein structure/function; Has not been previously published as pathogenic or benign to our knowledge